The following is an entry in ClinVar:

NM_017565.4(FAM20A):c.332_352dup (p.Leu117_Ala118insGlyAlaGluAspSerLeuLeu)

Gene: FAM20A (FAM20A golgi associated secretory pathway pseudokinase; minus strand). Cytogenetic location: 17q24.2.
Variant type: Duplication.
Coding change: c.332_352dup on transcript NM_017565.4 (MANE Select); coding-DNA positions 332 to 352, 21 bases duplicated (GAGCCGAGGACTCGCTCCTGG).
Protein change: p.Leu117_Ala118insGlyAlaGluAspSerLeuLeu.
Molecular consequence: inframe insertion. On other transcripts: 5 prime UTR variant (1).
Genome position (GRCh38, 1-based): chr17:68,600,315-68,600,335, CCAGGAGCGAGTCCTCGGCTC duplicated on the plus strand (GAGCCGAGGACTCGCTCCTGG on the coding strand, the reverse complement: FAM20A is on the minus strand); duplicating any 21 consecutive bases within chr17:68,600,315-68,600,342 gives the same sequence; the c. name uses the placement nearest the transcript's 3' end. VCF-style (leftmost placement, unchanged base first): chr17-68600314-G-GCCAGGAGCGAGTCCTCGGCTC. GRCh37 (hg19) VCF-style: chr17-66596455-G-GCCAGGAGCGAGTCCTCGGCTC.
Other names: c.-309_-289dup (NM_001243746.2).
Identifiers: ClinVar variation 1909004 (VCV001909004.6), dbSNP rs759881398, ClinGen allele CA8730115.

ClinVar aggregate classification (germline): Uncertain significance. Review status: criteria provided, multiple submitters, no conflicts (2 of 4 stars). 2 submissions from 2 submitters: Uncertain significance (2). Last evaluated 2024-06-04.

Conditions:
Amelogenesis imperfecta type 1G (AI1G). Also called: AMELOGENESIS IMPERFECTA, TYPE IG; Absent enamel, nephrocalcinosis and apparently normal calcium metabolism; Generalized enamel hypoplasia and renal dysfunction; Amelogenesis imperfecta hypoplastic type, IG; Amelogenesis imperfecta and nephrocalcinosis; Amelogenesis imperfecta nephrocalcinosis. Identifiers: Orphanet 1031, Orphanet 171836, MedGen C2931783, MONDO:0008771, OMIM 204690. Disease mechanism: loss of function.

Submissions (2):

Fulgent Genetics
Classification: Uncertain significance for Amelogenesis imperfecta type 1G. Last evaluated: 2024-06-04. Review status: criteria provided, single submitter. Criteria: ACMG Guidelines, 2015. Collection method: clinical testing. Allele origin: germline.

Labcorp Genetics (formerly Invitae), Labcorp
Classification: Uncertain significance. Last evaluated: 2022-05-19. Review status: criteria provided, single submitter. Criteria: Invitae Variant Classification Sherloc (09022015). Collection method: clinical testing. Allele origin: germline.
Comment: This variant, c.332_352dup, results in the insertion of 7 amino acid(s) of the FAM20A protein (p.Gly111_Leu117dup), but otherwise preserves the integrity of the reading frame. The frequency data for this variant in the population databases is considered unreliable, as metrics indicate poor data quality at this position in the gnomAD database. This variant has not been reported in the literature in individuals affected with FAM20A-related conditions. In summary, the available evidence is currently insufficient to determine the role of this variant in disease. Therefore, it has been classified as a Variant of Uncertain Significance.